The following is an entry in ClinVar:

NM_017617.5(NOTCH1):c.600C>T (p.Gly200=)

Gene: NOTCH1 (notch receptor 1; minus strand). Cytogenetic location: 9q34.3.
Variant type: single nucleotide variant.
Coding change: c.600C>T on transcript NM_017617.5 (MANE Select); coding-DNA position 600, C replaced by T.
Protein change: p.Gly200=; no amino-acid change (glycine 200 retained).
Molecular consequence: synonymous variant.
Genome position (GRCh38, 1-based): chr9:136,522,992, G>A on the plus strand (C>T on the coding strand, the complement: NOTCH1 is on the minus strand). VCF-style: chr9-136522992-G-A. GRCh37 (hg19) VCF-style: chr9-139417444-G-A.
Identifiers: ClinVar variation 3706448 (VCV003706448.2).

ClinVar aggregate classification (germline): Uncertain significance (1 of 4 stars; one submission).

Conditions:
Adams-Oliver syndrome 5 (AOS5). Identifiers: Orphanet 974, MedGen C4014970, MONDO:0014459, OMIM 616028.

Submission:

Labcorp Genetics (formerly Invitae), Labcorp
Classification: Uncertain significance for Adams-Oliver syndrome 5. Last evaluated: 2024-04-25. Review status: criteria provided, single submitter. Criteria: Invitae Variant Classification Sherloc (09022015). Collection method: clinical testing. Allele origin: germline.
Comment: This sequence change affects codon 200 of the NOTCH1 mRNA. It is a 'silent' change, meaning that it does not change the encoded amino acid sequence of the NOTCH1 protein. This variant is not present in population databases (gnomAD no frequency). This variant has not been reported in the literature in individuals affected with NOTCH1-related conditions. Algorithms developed to predict the effect of sequence changes on RNA splicing suggest that this variant may create or strengthen a splice site. In summary, the available evidence is currently insufficient to determine the role of this variant in disease. Therefore, it has been classified as a Variant of Uncertain Significance.